The following is an entry in ClinVar:

ClinVar aggregate classification (germline): Likely benign. Review status: criteria provided, multiple submitters, no conflicts (2 of 4 stars). 5 submissions from 5 submitters: Likely benign (5). Last evaluated 2025-12-24.

Conditions:
Hereditary cancer-predisposing syndrome. Also called: Hereditary neoplastic syndrome; Tumor predisposition; Neoplastic Syndromes, Hereditary; Hereditary Cancer Syndrome. Identifiers: Orphanet 140162, MedGen C0027672, MeSH D009386, MONDO:0015356.
Retinoblastoma (RB1). Also called: RETINOBLASTOMA, SOMATIC. Identifiers: Orphanet 790, MedGen C0035335, MeSH D012175, MONDO:0008380, OMIM 180200, HP:0009919. Disease mechanism: loss of function. Inheritance: Both sporadic and heritable forms are tested..

Allele frequency attached by ClinVar (database versions not stated): gnomAD 0.00001.
gnomAD v4.1: 1 of 1,575,458 alleles (0.000063%); no homozygotes.

Submissions (5):

Labcorp Genetics (formerly Invitae), Labcorp
Classification: Likely benign for Retinoblastoma. Last evaluated: 2025-12-24. Review status: criteria provided, single submitter. Criteria: Invitae Variant Classification Sherloc (09022015). Collection method: clinical testing. Allele origin: germline.

Blueprint Genetics
Classification: Likely benign. Last evaluated: 2024-03-14. Review status: criteria provided, single submitter. Criteria: ACMG Guidelines, 2015. Collection method: clinical testing. Allele origin: germline.

All of Us Research Program, National Institutes of Health
Classification: Likely benign for Retinoblastoma. Last evaluated: 2023-08-15. Review status: criteria provided, single submitter. Criteria: ACMG Guidelines, 2015. Collection method: clinical testing. Allele origin: germline. Inheritance: Autosomal dominant inheritance. Observed: 1 variant allele, 1 heterozygote.
Comment: This study involves interpretation of variants in research participants for the purpose of population health screening. Participant phenotype was not available at the time of variant classification. Additional details can be found in publication PMID: 35346344, PMCID: PMC8962531

CeGaT Center for Human Genetics Tuebingen
Classification: Likely benign. Last evaluated: 2022-07-01. Review status: criteria provided, single submitter. Criteria: CeGaT Center For Human Genetics Tuebingen Variant Classification Criteria Version 2. Collection method: clinical testing. Allele origin: germline. Affected: yes. Observed: 1 variant allele.
Comment: RB1: BP4, BP7

Ambry Genetics
Classification: Likely benign for Hereditary cancer-predisposing syndrome. Last evaluated: 2019-08-06. Review status: criteria provided, single submitter. Criteria: Ambry Variant Classification Scheme 2023. Collection method: clinical testing. Allele origin: germline.

NM_000321.3(RB1):c.2277C>T (p.Val759=)

Gene: RB1 (RB transcriptional corepressor 1; plus strand). Cytogenetic location: 13q14.2.
Variant type: single nucleotide variant.
Coding change: c.2277C>T on transcript NM_000321.3 (MANE Select); coding-DNA position 2277, C replaced by T.
Protein change: p.Val759=; no amino-acid change (valine 759 retained).
Molecular consequence: synonymous variant.
Genome position (GRCh38, 1-based): chr13:48,465,063, C>T. VCF-style: chr13-48465063-C-T. GRCh37 (hg19) VCF-style: chr13-49039199-C-T.
Other names: c.2277C>T, p.Val759= (NM_001407165.1).
Identifiers: ClinVar variation 1701222 (VCV001701222.36), dbSNP rs1949430859, ClinGen allele CA483740140.
Genomic context (GRCh38, chr13:48,465,063, plus strand): 5'-CAAACGTGTTTTGATCAAAGAAGAGGAGTATGATTCTATTATAGTATTCTATAACTCGGT[C>T]TTCATGCAGAGACTGAAAACAAATATTTTGCAGTATGCTTCCACCAGGGTAGGTCAAAAG-3'
Protein context (NP_000312.2, residues 749-769): YDSIIVFYNS[Val759=]FMQRLKTNIL